The following is an entry in ClinVar:

NM_012188.5(FOXI1):c.505A>G (p.Asn169Asp)

Gene: FOXI1 (forkhead box I1; plus strand). Cytogenetic location: 5q35.1.
Variant type: single nucleotide variant.
Coding change: c.505A>G on transcript NM_012188.5 (MANE Select); coding-DNA position 505, A replaced by G.
Protein change: p.Asn169Asp; replaces asparagine 169 with aspartic acid.
Molecular consequence: missense variant.
Genome position (GRCh38, 1-based): chr5:170,106,462, A>G. VCF-style: chr5-170106462-A-G. GRCh37 (hg19) VCF-style: chr5-169533466-A-G.
Other names: c.505A>G, p.Asn169Asp (NM_144769.4); short protein forms N169D.
Identifiers: ClinVar variation 4532245 (VCV004532245.1).

ClinVar aggregate classification (germline): Uncertain significance (1 of 4 stars; one submission).

Conditions:
Sensorineural hearing loss disorder. Also called: Sensorineural Deafness; Sensorineural hearing loss; Sensorineural hearing impairment. Identifiers: MedGen C0018784, MeSH D006319, MONDO:0020678, HP:0000407.

Submission:

Kunming Children's Hospital, Yunnan Key Laboratory of Children’s Major Disease Research
Classification: Uncertain significance for Sensorineural hearing loss disorder. Last evaluated: 2025-11-22. Review status: criteria provided, single submitter. Criteria: ACMG Guidelines, 2015. Collection method: clinical testing. Allele origin: maternal. Inheritance: Autosomal recessive inheritance. Affected: yes. Observed: 1 heterozygote.
Comment: The c.505A>G (p.Asn169Asp) variant in FOXI1 is classified as Uncertain significance according to ACMG guidelines. Bioinformatic predictions indicate a deleterious effect: REVEL predicts damaging (PP3_Strong), and SIFT, PolyPhen-2, MutationTaster, and GERP+ all support a deleterious impact. The variant is absent in population databases (PM2_Supporting). No relevant literature reports exist, and ClinVar does not contain prior submissions for this variant. Given insufficient pathogenic evidence and the lack of consistent segregation with disease, this variant is interpreted as VUS.